The following is an entry in ClinVar:

NM_001042492.3(NF1):c.676A>C (p.Asn226His)

Gene: NF1 (neurofibromin 1; plus strand). Cytogenetic location: 17q11.2.
Variant type: single nucleotide variant.
Coding change: c.676A>C on transcript NM_001042492.3 (MANE Select); coding-DNA position 676, A replaced by C.
Protein change: p.Asn226His; replaces asparagine 226 with histidine.
Molecular consequence: missense variant.
Genome position (GRCh38, 1-based): chr17:31,181,731, A>C. VCF-style: chr17-31181731-A-C. GRCh37 (hg19) VCF-style: chr17-29508749-A-C.
Other names: c.676A>C, p.Asn226His (NM_000267.4, NM_001128147.3); short protein forms N226H.
Identifiers: ClinVar variation 4774299 (VCV004774299.1).

ClinVar aggregate classification (germline): Uncertain significance (1 of 4 stars; one submission).

Conditions:
Neurofibromatosis, type 1 (NF1). Also called: Neurofibromatosis, type I; VON RECKLINGHAUSEN DISEASE; NEUROFIBROMATOSIS, TYPE I, SOMATIC; Peripheral type neurofibromatosis. Identifiers: Orphanet 636, MedGen C0027831, MONDO:0018975, OMIM 162200. Disease mechanism: loss of function.

Submission:

Labcorp Genetics (formerly Invitae), Labcorp
Classification: Uncertain significance for Neurofibromatosis, type 1. Last evaluated: 2025-06-20. Review status: criteria provided, single submitter. Criteria: Invitae Variant Classification Sherloc (09022015). Collection method: clinical testing. Allele origin: germline.
Comment: This sequence change replaces asparagine, which is neutral and polar, with histidine, which is basic and polar, at codon 226 of the NF1 protein (p.Asn226His). This variant is not present in population databases (gnomAD no frequency). This variant has not been reported in the literature in individuals affected with NF1-related conditions. Invitae Evidence Modeling of protein sequence and biophysical properties (such as structural, functional, and spatial information, amino acid conservation, physicochemical variation, residue mobility, and thermodynamic stability) indicates that this missense variant is not expected to disrupt NF1 protein function with a negative predictive value of 95%. In summary, the available evidence is currently insufficient to determine the role of this variant in disease. Therefore, it has been classified as a Variant of Uncertain Significance.